The following is an entry in ClinVar:

NM_020806.5(GPHN):c.1971A>C (p.Leu657=)

Gene: GPHN (gephyrin; plus strand). Cytogenetic location: 14q23.3.
Variant type: single nucleotide variant.
Coding change: c.1971A>C on transcript NM_020806.5 (MANE Select); coding-DNA position 1971, A replaced by C.
Protein change: p.Leu657=; no amino-acid change (leucine 657 retained).
Molecular consequence: synonymous variant.
Genome position (GRCh38, 1-based): chr14:67,165,222, A>C. VCF-style: chr14-67165222-A-C. GRCh37 (hg19) VCF-style: chr14-67631939-A-C.
Other names: c.1872A>C, p.Leu624= (NM_001024218.2); c.2031A>C, p.Leu677= (NM_001377514.1); c.2001A>C, p.Leu667= (NM_001377515.1); c.1992A>C, p.Leu664= (NM_001377516.1); c.1944A>C, p.Leu648= (NM_001377517.1); c.1929A>C, p.Leu643= (NM_001377518.1); c.1911A>C, p.Leu637= (NM_001377519.1).
Identifiers: ClinVar variation 466205 (VCV000466205.37), dbSNP rs150799851, ClinGen allele CA7234228.

ClinVar aggregate classification (germline): Likely benign. Review status: criteria provided, multiple submitters, no conflicts (2 of 4 stars). 4 submissions from 4 submitters: Likely benign (3). 1 of the submissions does not count toward it. Last evaluated 2025-12-30.

Conditions:
Sulfite oxidase deficiency due to molybdenum cofactor deficiency type C. Also called: Molybdenum cofactor deficiency, complementation group C; Molybdenum cofactor deficiency C. Identifiers: Orphanet 308400, Orphanet 833, MedGen C1854990, MONDO:0014212, OMIM 615501.
GPHN-related disorder. Also called: GPHN-related condition.

Allele frequency attached by ClinVar (database versions not stated): ExAC 0.00018; gnomAD exomes 0.00024 and 0.00049; TOPMed 0.00025; ESP Exome Variant Server 0.00031; gnomAD 0.00016 and 0.00017.
gnomAD v4.1: 723 of 1,595,916 alleles (0.045%); highest among the groups gnomAD compares: Non-Finnish European, 0.06%; no homozygotes.

Submissions (4):

Labcorp Genetics (formerly Invitae), Labcorp
Classification: Likely benign for Sulfite oxidase deficiency due to molybdenum cofactor deficiency type C. Last evaluated: 2025-12-30. Review status: criteria provided, single submitter. Criteria: Invitae Variant Classification Sherloc (09022015). Collection method: clinical testing. Allele origin: germline.

Blueprint Genetics
Classification: Likely benign. Last evaluated: 2024-10-07. Review status: criteria provided, single submitter. Criteria: ACMG Guidelines, 2015. Collection method: clinical testing. Allele origin: germline.

CeGaT Center for Human Genetics Tuebingen
Classification: Likely benign. Last evaluated: 2022-11-01. Review status: criteria provided, single submitter. Criteria: CeGaT Center For Human Genetics Tuebingen Variant Classification Criteria Version 2. Collection method: clinical testing. Allele origin: germline. Affected: yes. Observed: 1 variant allele.
Comment: GPHN: BP4, BP7

PreventionGenetics, part of Exact Sciences
Classification: Likely benign for GPHN-related condition. Last evaluated: 2019-08-28. Review status: no assertion criteria provided. Collection method: clinical testing. Allele origin: germline. Not counted in ClinVar's aggregate classification.
Comment: This variant is classified as likely benign based on ACMG/AMP sequence variant interpretation guidelines (Richards et al. 2015 PMID: 25741868, with internal and published modifications).